The following is an entry in ClinVar:

NM_058004.4(PI4KA):c.36A>C (p.Gly12=)

Gene: PI4KA (phosphatidylinositol 4-kinase alpha; minus strand). Cytogenetic location: 22q11.21.
Variant type: single nucleotide variant.
Coding change: c.36A>C on transcript NM_058004.4 (MANE Select); coding-DNA position 36, A replaced by C.
Protein change: p.Gly12=; no amino-acid change (glycine 12 retained).
Molecular consequence: synonymous variant.
Genome position (GRCh38, 1-based): chr22:20,858,690, T>G on the plus strand (A>C on the coding strand, the complement: PI4KA is on the minus strand). VCF-style: chr22-20858690-T-G. GRCh37 (hg19) VCF-style: chr22-21212978-T-G.
Other names: c.36A>C, p.Gly12= (NM_001362862.2, NM_001362863.2).
Identifiers: ClinVar variation 3388620 (VCV003388620.14).

ClinVar aggregate classification (germline): Likely benign (1 of 4 stars; one submission).

gnomAD v4.1: 6 of 1,467,072 alleles (0.00041%); highest among the groups gnomAD compares: Non-Finnish European, 0.00045%; no homozygotes.

Submission:

CeGaT Center for Human Genetics Tuebingen
Classification: Likely benign. Last evaluated: 2024-10-01. Review status: criteria provided, single submitter. Criteria: CeGaT Center For Human Genetics Tuebingen Variant Classification Criteria Version 2. Collection method: clinical testing. Allele origin: germline. Affected: yes. Observed: 1 variant allele.
Comment: PI4KA: BP4, BP7